The following is an entry in ClinVar:

ClinVar aggregate classification (germline): Benign/Likely benign. Review status: criteria provided, multiple submitters, no conflicts (2 of 4 stars). 4 submissions from 4 submitters: Benign (2); Likely benign (2). Last evaluated 2026-01-19.

Allele frequency attached by ClinVar (database versions not stated): gnomAD 0.00002 and 0.00010; TOPMed 0.00006; gnomAD exomes 0.00034; ExAC 0.00039; 1000 Genomes Project 0.00100; 1000 Genomes Project 30x 0.00125.

Submissions (4):

Labcorp Genetics (formerly Invitae), Labcorp
Classification: Benign. Last evaluated: 2026-01-19. Review status: criteria provided, single submitter. Criteria: Invitae Variant Classification Sherloc (09022015). Collection method: clinical testing. Allele origin: germline.

Blueprint Genetics
Classification: Likely benign. Last evaluated: 2024-09-23. Review status: criteria provided, single submitter. Criteria: ACMG Guidelines, 2015. Collection method: clinical testing. Allele origin: germline.

GeneDx
Classification: Benign. Last evaluated: 2020-10-21. Review status: criteria provided, single submitter. Criteria: GeneDx Variant Classification Process June 2021. Collection method: clinical testing. Allele origin: germline. Affected: yes.

Laboratory for Molecular Medicine, Mass General Brigham Personalized Medicine
Classification: Likely benign. Last evaluated: 2010-11-15. Review status: criteria provided, single submitter. Criteria: LMM Criteria. Collection method: clinical testing. Allele origin: germline. Observed: 2 variant alleles.
Comment: Gly226Gly in exon 2 of USH1G: This variant is not expected to have clinical sign ificance because it does not alter an amino acid residue and is not located near a splice junction.

NM_173477.5(USH1G):c.678C>A (p.Gly226=)

Gene: USH1G (USH1 protein network component sans; minus strand). Cytogenetic location: 17q25.1.
Variant type: single nucleotide variant.
Coding change: c.678C>A on transcript NM_173477.5 (MANE Select); coding-DNA position 678, C replaced by A.
Protein change: p.Gly226=; no amino-acid change (glycine 226 retained).
Molecular consequence: synonymous variant.
Genome position (GRCh38, 1-based): chr17:74,920,158, G>T on the plus strand (C>A on the coding strand, the complement: USH1G is on the minus strand). VCF-style: chr17-74920158-G-T. GRCh37 (hg19) VCF-style: chr17-72916253-G-T.
Other names: c.369C>A, p.Gly123= (NM_001282489.3).
Identifiers: ClinVar variation 48135 (VCV000048135.16), dbSNP rs201525855, ClinGen allele CA142662.